The following is an entry in ClinVar:

NM_183050.4(BCKDHB):c.77T>C (p.Leu26Pro)

Gene: BCKDHB (branched chain keto acid dehydrogenase E1 subunit beta; plus strand). Cytogenetic location: 6q14.1.
Variant type: single nucleotide variant.
Coding change: c.77T>C on transcript NM_183050.4 (MANE Select); coding-DNA position 77, T replaced by C.
Protein change: p.Leu26Pro; replaces leucine 26 with proline.
Molecular consequence: missense variant. On other transcripts: non-coding transcript variant (1), intron variant (1).
Genome position (GRCh38, 1-based): chr6:80,106,770, T>C. VCF-style: chr6-80106770-T-C. GRCh37 (hg19) VCF-style: chr6-80816487-T-C.
Other names: c.77T>C, p.Leu26Pro (NM_000056.5); c.-15+87T>C (NM_001318975.1); short protein forms L26P.
Identifiers: ClinVar variation 1053087 (VCV001053087.7), dbSNP rs1769081318, ClinGen allele CA364658104.

ClinVar aggregate classification (germline): Uncertain significance. Review status: criteria provided, single submitter (1 of 4 stars). 2 submissions from 2 submitters: Uncertain significance (1). 1 of the submissions does not count toward it. Last evaluated 2021-08-27.

Conditions:
Maple syrup urine disease type 1B (MSUD1B). Also called: MSUD type IB; MSUD type 3 (formerly); MSUD due to deficiency of e1-beta subunit of branched-chain alpha-keto acid dehydrogenase complex. Identifiers: MedGen C2930990, MONDO:0023692, OMIM 620698.
Maple syrup urine disease (MSUD). Identifiers: Orphanet 511, MedGen C0024776, MeSH D008375, MONDO:0009563. Disease mechanism: loss of function.

Allele frequency attached by ClinVar (database versions not stated): TOPMed below 0.00001.

Submissions (2):

Labcorp Genetics (formerly Invitae), Labcorp
Classification: Uncertain significance for Maple syrup urine disease. Last evaluated: 2021-08-27. Review status: criteria provided, single submitter. Criteria: Invitae Variant Classification Sherloc (09022015). Collection method: clinical testing. Allele origin: germline.
Comment: This sequence change replaces leucine with proline at codon 26 of the BCKDHB protein (p.Leu26Pro). The leucine residue is weakly conserved and there is a moderate physicochemical difference between leucine and proline. This variant is not present in population databases (ExAC no frequency). This variant has not been reported in the literature in individuals affected with BCKDHB-related conditions. Algorithms developed to predict the effect of missense changes on protein structure and function (SIFT, PolyPhen-2, Align-GVGD) all suggest that this variant is likely to be tolerated. In summary, the available evidence is currently insufficient to determine the role of this variant in disease. Therefore, it has been classified as a Variant of Uncertain Significance.

Natera, Inc.
Classification: Uncertain significance for Maple syrup urine disease type 1B. Last evaluated: 2021-03-29. Review status: no assertion criteria provided. Collection method: clinical testing. Allele origin: germline. Not counted in ClinVar's aggregate classification.